The following is an entry in ClinVar:

NM_170606.3(KMT2C):c.4052G>C (p.Arg1351Thr)

Gene: KMT2C (lysine methyltransferase 2C; minus strand). Cytogenetic location: 7q36.1.
Variant type: single nucleotide variant.
Coding change: c.4052G>C on transcript NM_170606.3 (MANE Select); coding-DNA position 4052, G replaced by C.
Protein change: p.Arg1351Thr; replaces arginine 1351 with threonine.
Molecular consequence: missense variant.
Genome position (GRCh38, 1-based): chr7:152,202,974, C>G on the plus strand (G>C on the coding strand, the complement: KMT2C is on the minus strand). VCF-style: chr7-152202974-C-G. GRCh37 (hg19) VCF-style: chr7-151900059-C-G.
Other names: short protein forms R1351T.
Identifiers: ClinVar variation 3602166 (VCV003602166.1).

ClinVar aggregate classification (germline): Uncertain significance (1 of 4 stars; one submission).

Submission:

GeneDx
Classification: Uncertain significance. Last evaluated: 2024-08-03. Review status: criteria provided, single submitter. Criteria: GeneDx Variant Classification Process June 2021. Collection method: clinical testing. Allele origin: germline. Affected: yes.
Comment: Not observed at significant frequency in large population cohorts (gnomAD); In silico analysis supports that this missense variant has a deleterious effect on protein structure/function; Has not been previously published as pathogenic or benign to our knowledge